The following is an entry in ClinVar:

NM_000179.3(MSH6):c.4037A>C (p.Asp1346Ala)

Gene: MSH6 (mutS homolog 6; plus strand). Cytogenetic location: 2p16.3.
Variant type: single nucleotide variant.
Coding change: c.4037A>C on transcript NM_000179.3 (MANE Select); coding-DNA position 4037, A replaced by C.
Protein change: p.Asp1346Ala; replaces aspartic acid 1346 with alanine.
Molecular consequence: missense variant.
Genome position (GRCh38, 1-based): chr2:47,806,814, A>C. VCF-style: chr2-47806814-A-C. GRCh37 (hg19) VCF-style: chr2-48033953-A-C.
Other names: c.3647A>C, p.Asp1216Ala (NM_001281492.2); c.3131A>C, p.Asp1044Ala (NM_001281493.2, NM_001281494.2); short protein forms D1216A, D1346A, D1044A.
Identifiers: ClinVar variation 940042 (VCV000940042.10), dbSNP rs1456961917, ClinGen allele CA346761687.
Genomic context (GRCh38, chr2:47,806,814, plus strand): 5'-TTTTTTTTTTTTTTTTAATTTTAAGGGAAGTTTGCCTGGCTAGTGAAAGGTCAACTGTAG[A>C]TGCTGAAGCTGTCCATAAATTGCTGACTTTGATTAAGGAATTATAGACTGACTACATTGG-3'
Protein context (NP_000170.1, residues 1336-1356): VCLASERSTV[Asp1346Ala]AEAVHKLLTL

ClinVar aggregate classification (germline): Uncertain significance (1 of 4 stars; one submission).

Conditions:
Hereditary nonpolyposis colorectal neoplasms. Identifiers: MedGen C0009405, MeSH D003123.

gnomAD v4.1: 1 of 1,609,944 alleles (0.000062%); highest among the groups gnomAD compares: Non-Finnish European, 0.000085%; no homozygotes.

Submission:

Labcorp Genetics (formerly Invitae), Labcorp
Classification: Uncertain significance for Hereditary nonpolyposis colorectal neoplasms. Last evaluated: 2022-10-28. Review status: criteria provided, single submitter. Criteria: Invitae Variant Classification Sherloc (09022015). Collection method: clinical testing. Allele origin: germline.
Comment: In summary, the available evidence is currently insufficient to determine the role of this variant in disease. Therefore, it has been classified as a Variant of Uncertain Significance. Advanced modeling of protein sequence and biophysical properties (such as structural, functional, and spatial information, amino acid conservation, physicochemical variation, residue mobility, and thermodynamic stability) performed at Invitae indicates that this missense variant is not expected to disrupt MSH6 protein function. ClinVar contains an entry for this variant (Variation ID: 940042). This variant has not been reported in the literature in individuals affected with MSH6-related conditions. This variant is not present in population databases (gnomAD no frequency). This sequence change replaces aspartic acid, which is acidic and polar, with alanine, which is neutral and non-polar, at codon 1346 of the MSH6 protein (p.Asp1346Ala).